The following is an entry in ClinVar:

ClinVar aggregate classification (germline): Conflicting classifications of pathogenicity. Review status: criteria provided, conflicting classifications (1 of 4 stars). 8 submissions from 8 submitters: Uncertain significance (1); Benign (2); Likely benign (5). Last evaluated 2025-12-23.

Conditions:
Tuberous sclerosis syndrome (TSC). Also called: Tuberous Sclerosis Complex; Tuberous sclerosis. Identifiers: Orphanet 805, MedGen C0041341, MONDO:0001734.
Hereditary cancer-predisposing syndrome. Also called: Tumor predisposition; Neoplastic Syndromes, Hereditary; Hereditary Cancer Syndrome; Hereditary neoplastic syndrome. Identifiers: Orphanet 140162, MedGen C0027672, MeSH D009386, MONDO:0015356.
Tuberous sclerosis 2 (TSC2). Identifiers: Orphanet 805, MedGen C1860707, MONDO:0013199, OMIM 613254.

Allele frequency attached by ClinVar (database versions not stated): TOPMed 0.00011; gnomAD 0.00012 and 0.00011; gnomAD exomes 0.00002 and 0.00007; ExAC 0.00005.
gnomAD v4.1: 42 of 1,609,226 alleles (0.0026%); highest among the groups gnomAD compares: Admixed American, 0.039%; no homozygotes.

Submissions (8):

Labcorp Genetics (formerly Invitae), Labcorp
Classification: Benign for Tuberous sclerosis 2. Last evaluated: 2025-12-23. Review status: criteria provided, single submitter. Criteria: Invitae Variant Classification Sherloc (09022015). Collection method: clinical testing. Allele origin: germline.

Myriad Genetics, Inc.
Classification: Likely benign for Tuberous sclerosis 2. Last evaluated: 2024-08-20. Review status: criteria provided, single submitter. Criteria: Myriad Autosomal Dominant, Autosomal Recessive and X-Linked Classification Criteria (2023). Collection method: clinical testing. Allele origin: unknown.
Comment: This variant is considered likely benign. This variant has been observed at a population frequency that is significantly greater than expected given the associated disease prevalence and penetrance.

CeGaT Center for Human Genetics Tuebingen
Classification: Likely benign. Last evaluated: 2023-11-01. Review status: criteria provided, single submitter. Criteria: CeGaT Center For Human Genetics Tuebingen Variant Classification Criteria Version 2. Collection method: clinical testing. Allele origin: germline. Affected: yes. Observed: 1 variant allele.
Comment: TSC2: BP4

All of Us Research Program, National Institutes of Health
Classification: Uncertain significance for Tuberous sclerosis syndrome. Last evaluated: 2023-10-23. Review status: criteria provided, single submitter. Criteria: ACMG Guidelines, 2015. Collection method: clinical testing. Allele origin: germline. Inheritance: Autosomal dominant inheritance. Observed: 1 variant allele, 1 heterozygote.
Comment: This missense variant replaces arginine with glutamine at codon 1409 of the TSC2 protein. Computational prediction is inconclusive regarding the impact of this variant on protein structure and function (internally defined REVEL score threshold 0.5 < inconclusive < 0.7, PMID: 27666373). To our knowledge, functional studies have not been reported for this variant. This variant has not been reported in individuals affected with TSC2-related disorders in the literature. This variant has been identified in 19/271404 chromosomes in the general population by the Genome Aggregation Database (gnomAD). The available evidence is insufficient to determine the role of this variant in disease conclusively. Therefore, this variant is classified as a Variant of Uncertain Significance.

This study involves interpretation of variants in research participants for the purpose of population health screening. Participant phenotype was not available at the time of variant classification. Additional details can be found in publication PMID: 35346344, PMCID: PMC8962531

Blueprint Genetics
Classification: Benign. Last evaluated: 2023-09-05. Review status: criteria provided, single submitter. Criteria: ACMG Guidelines, 2015. Collection method: clinical testing. Allele origin: germline.

Ambry Genetics
Classification: Likely benign for Hereditary cancer-predisposing syndrome. Last evaluated: 2022-01-03. Review status: criteria provided, single submitter. Criteria: Ambry Variant Classification Scheme 2023. Collection method: clinical testing. Allele origin: germline.

Genome-Nilou Lab
Classification: Likely benign for Tuberous sclerosis 2. Last evaluated: 2021-11-07. Review status: criteria provided, single submitter. Criteria: ACMG Guidelines, 2015. Collection method: clinical testing. Allele origin: germline. Affected: no.

GeneDx
Classification: Likely benign. Last evaluated: 2020-09-30. Review status: criteria provided, single submitter. Criteria: GeneDx Variant Classification Process June 2021. Collection method: clinical testing. Allele origin: germline. Affected: yes.

NM_000548.5(TSC2):c.4226G>A (p.Arg1409Gln)

Gene: TSC2 (TSC complex subunit 2; plus strand). Cytogenetic location: 16p13.3.
Variant type: single nucleotide variant.
Coding change: c.4226G>A on transcript NM_000548.5 (MANE Select); coding-DNA position 4226, G replaced by A.
Protein change: p.Arg1409Gln; replaces arginine 1409 with glutamine.
Molecular consequence: missense variant.
Genome position (GRCh38, 1-based): chr16:2,084,448, G>A. VCF-style: chr16-2084448-G-A. GRCh37 (hg19) VCF-style: chr16-2134449-G-A.
Other names: p.R1409Q:CGG>CAG; c.4025G>A, p.Arg1342Gln (NM_001077183.3); c.4157G>A, p.Arg1386Gln (NM_001114382.3); c.3917G>A, p.Arg1306Gln (NM_001318827.2); c.3881G>A, p.Arg1294Gln (NM_001318829.2); c.3494G>A, p.Arg1165Gln (NM_001318831.2); c.4058G>A, p.Arg1353Gln (NM_001318832.2); c.4028G>A, p.Arg1343Gln (NM_001363528.2); and 2 more; short protein forms R1409Q, R1165Q, R1366Q, R1353Q, R1365Q, R1386Q, R1294Q, R1306Q.
Identifiers: ClinVar variation 207683 (VCV000207683.46), dbSNP rs768684515, ClinGen allele CA050701.
Genomic context (GRCh38, chr16:2,084,448, plus strand): 5'-CCGAGCTGCAGACTCTGCAGGACATCCTCGGGGACCCTGGGGACAAGGCCGACGTGGGCC[G>A]GCTGAGCCCTGAGGTTAAGGCCCGGTCACAGTCAGGGACCCTGGACGGGGAAAGTGCTGC-3'
Protein context (NP_000539.2, residues 1399-1419): GDPGDKADVG[Arg1409Gln]LSPEVKARSQ